The following is an entry in ClinVar:

NM_007194.4(CHEK2):c.938T>A (p.Val313Glu)

Gene: CHEK2 (checkpoint kinase 2; minus strand). Cytogenetic location: 22q12.1.
Variant type: single nucleotide variant.
Coding change: c.938T>A on transcript NM_007194.4 (MANE Select); coding-DNA position 938, T replaced by A.
Protein change: p.Val313Glu; replaces valine 313 with glutamic acid.
Molecular consequence: missense variant.
Genome position (GRCh38, 1-based): chr22:28,699,908, A>T on the plus strand (T>A on the coding strand, the complement: CHEK2 is on the minus strand). VCF-style: chr22-28699908-A-T. GRCh37 (hg19) VCF-style: chr22-29095896-A-T.
Other names: c.1067T>A, p.Val356Glu (NM_001005735.3); c.275T>A, p.Val92Glu (NM_001257387.3); c.737T>A, p.Val246Glu (NM_001349956.3); c.938T>A, p.Val313Glu (NM_145862.3); short protein forms V92E, V313E, V246E, V356E.
Identifiers: ClinVar variation 2586655 (VCV002586655.2), dbSNP rs1039682955, ClinGen allele CA411099994.

ClinVar aggregate classification (germline): Uncertain significance (1 of 4 stars; one submission).

Conditions:
Hereditary cancer-predisposing syndrome. Also called: Hereditary neoplastic syndrome; Tumor predisposition; Hereditary Cancer Syndrome; Neoplastic Syndromes, Hereditary. Identifiers: Orphanet 140162, MedGen C0027672, MeSH D009386, MONDO:0015356.

Submission:

Ambry Genetics
Classification: Uncertain significance for Hereditary cancer-predisposing syndrome. Last evaluated: 2023-08-29. Review status: criteria provided, single submitter. Criteria: Ambry Variant Classification Scheme 2023. Collection method: clinical testing. Allele origin: germline.
Comment: The p.V313E variant (also known as c.938T>A), located in coding exon 8 of the CHEK2 gene, results from a T to A substitution at nucleotide position 938. The valine at codon 313 is replaced by glutamic acid, an amino acid with dissimilar properties. This amino acid position is highly conserved in available vertebrate species. In addition, this alteration is predicted to be deleterious by in silico analysis. Since supporting evidence is limited at this time, the clinical significance of this alteration remains unclear.